The following is an entry in ClinVar:

NM_001271696.3(ABCB7):c.1935+4A>G

Gene: ABCB7 (ATP binding cassette subfamily B member 7; minus strand). Cytogenetic location: Xq13.3.
Variant type: single nucleotide variant.
Coding change: c.1935+4A>G on transcript NM_001271696.3 (MANE Select); 4 bases into the intron after coding-DNA position 1935, A replaced by G.
Molecular consequence: intron variant.
Genome position (GRCh38, 1-based): chrX:75,062,324, T>C on the plus strand (A>G on the coding strand, the complement: ABCB7 is on the minus strand). VCF-style: chrX-75062324-T-C. GRCh37 (hg19) VCF-style: chrX-74282159-T-C.
Other names: c.1857+4A>G (NM_001271698.3); c.1815+4A>G (NM_001271697.3); c.1818+4A>G (NM_001271699.3); c.1938+4A>G (NM_004299.6).
Identifiers: ClinVar variation 3715711 (VCV003715711.2).
Genomic context (GRCh38, chrX:75,062,324, plus strand): 5'-TTACTGAAACTTCCAAGTAGAAAAGTTAAACATTGAAGAGCTTTATATTTTAATCATAAC[T>C]TACCTCTTCAGTAATCGAATCTAACGATGAAGTAGCTTCATCATAGAGTATGACTGGGGG-3'

ClinVar aggregate classification (germline): Uncertain significance (1 of 4 stars; one submission).

gnomAD v4.1: 16 of 1,195,367 alleles (0.0013%); highest among the groups gnomAD compares: East Asian, 0.018%; no homozygotes.

Submission:

Labcorp Genetics (formerly Invitae), Labcorp
Classification: Uncertain significance. Last evaluated: 2024-09-02. Review status: criteria provided, single submitter. Criteria: Invitae Variant Classification Sherloc (09022015). Collection method: clinical testing. Allele origin: germline.
Comment: This sequence change falls in intron 14 of the ABCB7 gene. It does not directly change the encoded amino acid sequence of the ABCB7 protein. It affects a nucleotide within the consensus splice site. This variant is present in population databases (rs757967930, gnomAD 0.008%), including at least one homozygous and/or hemizygous individual. This variant has not been reported in the literature in individuals affected with ABCB7-related conditions. Variants that disrupt the consensus splice site are a relatively common cause of aberrant splicing (PMID: 17576681, 9536098). Algorithms developed to predict the effect of sequence changes on RNA splicing suggest that this variant is not likely to affect RNA splicing. In summary, the available evidence is currently insufficient to determine the role of this variant in disease. Therefore, it has been classified as a Variant of Uncertain Significance.

Literature cited by the submitters: PubMed 17576681; PubMed 9536098.